The following is an entry in ClinVar:

NM_001939.3(DRP2):c.2164G>C (p.Glu722Gln)

Gene: DRP2 (dystrophin related protein 2; plus strand). Cytogenetic location: Xq22.1.
Variant type: single nucleotide variant.
Coding change: c.2164G>C on transcript NM_001939.3 (MANE Select); coding-DNA position 2164, G replaced by C.
Protein change: p.Glu722Gln; replaces glutamic acid 722 with glutamine.
Molecular consequence: missense variant.
Genome position (GRCh38, 1-based): chrX:101,254,908, G>C. VCF-style: chrX-101254908-G-C. GRCh37 (hg19) VCF-style: chrX-100509897-G-C.
Other names: c.1930G>C, p.Glu644Gln (NM_001171184.2); short protein forms E722Q, E644Q.
Identifiers: ClinVar variation 2058083 (VCV002058083.4), dbSNP rs2520288881, ClinGen allele CA413935811.

ClinVar aggregate classification (germline): Uncertain significance (1 of 4 stars; one submission).

Submission:

Labcorp Genetics (formerly Invitae), Labcorp
Classification: Uncertain significance. Last evaluated: 2021-12-24. Review status: criteria provided, single submitter. Criteria: Invitae Variant Classification Sherloc (09022015). Collection method: clinical testing. Allele origin: germline.
Comment: This sequence change replaces glutamic acid, which is acidic and polar, with glutamine, which is neutral and polar, at codon 722 of the DRP2 protein (p.Glu722Gln). In summary, the available evidence is currently insufficient to determine the role of this variant in disease. Therefore, it has been classified as a Variant of Uncertain Significance. Algorithms developed to predict the effect of missense changes on protein structure and function are either unavailable or do not agree on the potential impact of this missense change (SIFT: "Deleterious"; PolyPhen-2: "Benign"; Align-GVGD: "Class C0"). This variant has not been reported in the literature in individuals affected with DRP2-related conditions. This variant is not present in population databases (gnomAD no frequency).